The following is an entry in ClinVar:

NM_203447.4(DOCK8):c.53+14C>G

Genes: DOCK8 (dedicator of cytokinesis 8; plus strand), DOCK8-AS1 (DOCK8 antisense RNA 1; minus strand). Cytogenetic location: 9p24.3.
Variant type: single nucleotide variant.
Coding change: c.53+14C>G on transcript NM_203447.4 (MANE Select); 14 bases into the intron after coding-DNA position 53, C replaced by G.
Molecular consequence: intron variant. On other transcripts: non-coding transcript variant (1).
Genome position (GRCh38, 1-based): chr9:215,043, C>G. VCF-style: chr9-215043-C-G. GRCh37 (hg19) VCF-style: chr9-215043-C-G.
Identifiers: ClinVar variation 1599932 (VCV001599932.19), dbSNP rs756810591, ClinGen allele CA4956926.
Genomic context (GRCh38, chr9:215,043, plus strand): 5'-ACTCTGCCGAGCGCAGAGCGCCGCGCGTTCGCGCTCAAGATCAACAGGTAAGACGCCCCC[C>G]GCGGCGCGCAGGTTGCGGCCGGACAGCCCAGCGCTGGTGTGAAGCGGAGCTTCGCTGCAG-3'

ClinVar aggregate classification (germline): Benign/Likely benign. Review status: criteria provided, multiple submitters, no conflicts (2 of 4 stars). 3 submissions from 3 submitters: Benign (1); Likely benign (2). Last evaluated 2025-10-24.

Conditions:
Combined immunodeficiency due to DOCK8 deficiency (HIES2). Also called: DOCK8 Deficiency; HYPER-IgE SYNDROME 2, AUTOSOMAL RECESSIVE, WITH RECURRENT INFECTIONS; HIES autosomal recessive; Hyper-IgE recurrent infection syndrome, autosomal recessive; HYPER-IgE RECURRENT INFECTION SYNDROME 2, AUTOSOMAL RECESSIVE. Identifiers: Orphanet 217390, MedGen C4722305, MONDO:0009478, OMIM 243700.

gnomAD v4.1: 310 of 1,570,674 alleles (0.02%); highest among the groups gnomAD compares: Middle Eastern, 0.017%; 1 homozygote.

Submissions (3):

Labcorp Genetics (formerly Invitae), Labcorp
Classification: Benign for Combined immunodeficiency due to DOCK8 deficiency. Last evaluated: 2025-10-24. Review status: criteria provided, single submitter. Criteria: Invitae Variant Classification Sherloc (09022015). Collection method: clinical testing. Allele origin: germline.

CeGaT Center for Human Genetics Tuebingen
Classification: Likely benign. Last evaluated: 2025-05-01. Review status: criteria provided, single submitter. Criteria: CeGaT Center For Human Genetics Tuebingen Variant Classification Criteria Version 2. Collection method: clinical testing. Allele origin: germline. Affected: yes. Observed: 1 variant allele.
Comment: DOCK8-AS1: BP4, BP7

Blueprint Genetics
Classification: Likely benign. Last evaluated: 2024-11-15. Review status: criteria provided, single submitter. Criteria: ACMG Guidelines, 2015. Collection method: clinical testing. Allele origin: germline.